The following is an entry in ClinVar:

ClinVar aggregate classification (germline): Conflicting classifications of pathogenicity. Review status: criteria provided, conflicting classifications (1 of 4 stars). 2 submissions from 2 submitters: Uncertain significance (1); Likely benign (1). Last evaluated 2023-12-12.

Allele frequency attached by ClinVar (database versions not stated): gnomAD exomes below 0.00001; TOPMed below 0.00001; ExAC 0.00004.

Submissions (2):

Women's Health and Genetics/Laboratory Corporation of America, LabCorp
Classification: Likely benign. Last evaluated: 2023-12-12. Review status: criteria provided, single submitter. Criteria: LabCorp Variant Classification Summary - May 2015. Collection method: clinical testing. Allele origin: germline.

Labcorp Genetics (formerly Invitae), Labcorp
Classification: Uncertain significance. Last evaluated: 2023-11-20. Review status: criteria provided, single submitter. Criteria: Invitae Variant Classification Sherloc (09022015). Collection method: clinical testing. Allele origin: germline.
Comment: This sequence change affects codon 56 of the THBD mRNA. It is a 'silent' change, meaning that it does not change the encoded amino acid sequence of the THBD protein. This variant is present in population databases (rs752809089, gnomAD 0.01%). This variant has not been reported in the literature in individuals affected with THBD-related conditions. In summary, the available evidence is currently insufficient to determine the role of this variant in disease. Therefore, it has been classified as a Variant of Uncertain Significance.

NM_000361.3(THBD):c.168G>A (p.Arg56=)

Gene: THBD (thrombomodulin; minus strand). Cytogenetic location: 20p11.21.
Variant type: single nucleotide variant.
Coding change: c.168G>A on transcript NM_000361.3 (MANE Select); coding-DNA position 168, G replaced by A.
Protein change: p.Arg56=; no amino-acid change (arginine 56 retained).
Molecular consequence: synonymous variant.
Genome position (GRCh38, 1-based): chr20:23,049,337, C>T on the plus strand (G>A on the coding strand, the complement: THBD is on the minus strand). VCF-style: chr20-23049337-C-T. GRCh37 (hg19) VCF-style: chr20-23029974-C-T.
Identifiers: ClinVar variation 2691621 (VCV002691621.4), dbSNP rs752809089, ClinGen allele CA9787781.